The following is an entry in ClinVar:

ClinVar aggregate classification (germline): Conflicting classifications of pathogenicity. Review status: criteria provided, conflicting classifications (1 of 4 stars). 2 submissions from 2 submitters: Uncertain significance (1); Likely benign (1). Last evaluated 2024-08-27.

Allele frequency attached by ClinVar (database versions not stated): gnomAD exomes 0.00006 and 0.00012; ExAC 0.00008.
gnomAD v4.1: 93 of 1,613,926 alleles (0.0058%); highest among the groups gnomAD compares: South Asian, 0.099%; 1 homozygote.

Submissions (2):

Blueprint Genetics
Classification: Likely benign. Last evaluated: 2024-08-27. Review status: criteria provided, single submitter. Criteria: ACMG Guidelines, 2015. Collection method: clinical testing. Allele origin: germline.

Labcorp Genetics (formerly Invitae), Labcorp
Classification: Uncertain significance. Last evaluated: 2022-08-12. Review status: criteria provided, single submitter. Criteria: Invitae Variant Classification Sherloc (09022015). Collection method: clinical testing. Allele origin: germline.
Comment: This sequence change replaces glutamine, which is neutral and polar, with glutamic acid, which is acidic and polar, at codon 1707 of the CEP250 protein (p.Gln1707Glu). This variant is present in population databases (rs774513754, gnomAD 0.09%). This variant has not been reported in the literature in individuals affected with CEP250-related conditions. ClinVar contains an entry for this variant (Variation ID: 850039). Algorithms developed to predict the effect of missense changes on protein structure and function are either unavailable or do not agree on the potential impact of this missense change (SIFT: "Not Available"; PolyPhen-2: "Benign"; Align-GVGD: "Not Available"). In summary, the available evidence is currently insufficient to determine the role of this variant in disease. Therefore, it has been classified as a Variant of Uncertain Significance.

NM_007186.6(CEP250):c.5119C>G (p.Gln1707Glu)

Gene: CEP250 (centrosomal protein 250; plus strand). Cytogenetic location: 20q11.22.
Variant type: single nucleotide variant.
Coding change: c.5119C>G on transcript NM_007186.6 (MANE Select); coding-DNA position 5119, C replaced by G.
Protein change: p.Gln1707Glu; replaces glutamine 1707 with glutamic acid.
Molecular consequence: missense variant.
Genome position (GRCh38, 1-based): chr20:35,503,488, C>G. VCF-style: chr20-35503488-C-G. GRCh37 (hg19) VCF-style: chr20-34091316-C-G.
Other names: c.3223C>G, p.Gln1075Glu (NM_001318219.1); short protein forms Q1707E, Q1075E.
Identifiers: ClinVar variation 850039 (VCV000850039.7), dbSNP rs774513754, ClinGen allele CA9833825.
Genomic context (GRCh38, chr20:35,503,488, plus strand): 5'-CAGATCAAGCTGTCCTTGAGAGAGCGAGGCCGGGAGCTGACCACTCAGAGGCAGCTGATG[C>G]AGGAACGGGCAGAGGAAGGGAAGGGCCCAAGTAAAGCACAGCGCGGGAGCCTAGAGCACA-3'
Protein context (NP_009117.2, residues 1697-1717): RELTTQRQLM[Gln1707Glu]ERAEEGKGPS